The following is an entry in ClinVar:

ClinVar aggregate classification (germline): Benign/Likely benign. Review status: criteria provided, multiple submitters, no conflicts (2 of 4 stars). 6 submissions from 6 submitters: Benign (2); Likely benign (4). Last evaluated 2026-06-01.

Conditions:
Spinocerebellar ataxia type 5 (SCA5). Identifiers: Orphanet 98766, MedGen C0752123, MONDO:0010848, OMIM 600224.

Allele frequency attached by ClinVar (database versions not stated): gnomAD exomes 0.00035 and 0.00075; TOPMed 0.00289; ESP Exome Variant Server 0.00346; ExAC 0.00098; 1000 Genomes Project 30x 0.00219; gnomAD 0.00229 and 0.00245; 1000 Genomes Project 0.00240.
gnomAD v4.1: 914 of 1,607,594 alleles (0.057%); highest among the groups gnomAD compares: African/African-American, 0.88%; 5 homozygotes.

Submissions (6):

CeGaT Center for Human Genetics Tuebingen
Classification: Likely benign. Last evaluated: 2026-06-01. Review status: criteria provided, single submitter. Criteria: CeGaT Center For Human Genetics Tuebingen Variant Classification Criteria Version 2. Collection method: clinical testing. Allele origin: germline. Affected: yes. Observed: 5 variant alleles.
Comment: SPTBN2: BP4, BP7

Labcorp Genetics (formerly Invitae), Labcorp
Classification: Benign. Last evaluated: 2025-12-22. Review status: criteria provided, single submitter. Criteria: Invitae Variant Classification Sherloc (09022015). Collection method: clinical testing. Allele origin: germline.

Blueprint Genetics
Classification: Likely benign. Last evaluated: 2024-09-03. Review status: criteria provided, single submitter. Criteria: ACMG Guidelines, 2015. Collection method: clinical testing. Allele origin: germline.

Women's Health and Genetics/Laboratory Corporation of America, LabCorp
Classification: Likely benign. Last evaluated: 2023-11-16. Review status: criteria provided, single submitter. Criteria: LabCorp Variant Classification Summary - May 2015. Collection method: clinical testing. Allele origin: germline.

Athena Diagnostics
Classification: Benign for Spinocerebellar ataxia type 5. Last evaluated: 2017-06-29. Review status: criteria provided, single submitter. Criteria: Athena Diagnostics Criteria. Collection method: clinical testing. Allele origin: germline.

Breakthrough Genomics
Classification: Likely benign. Review status: criteria provided, single submitter. Criteria: ACMG Guidelines, 2015. Collection method: not provided. Allele origin: germline. Inheritance: Autosomal recessive inheritance. Affected: yes.

Literature cited by the submitters: PubMed 22843192 (cited by Athena Diagnostics).

NM_006946.4(SPTBN2):c.1416G>A (p.Thr472=)

Gene: SPTBN2 (spectrin beta, non-erythrocytic 2; minus strand). Cytogenetic location: 11q13.2.
Variant type: single nucleotide variant.
Coding change: c.1416G>A on transcript NM_006946.4 (MANE Select); coding-DNA position 1416, G replaced by A.
Protein change: p.Thr472=; no amino-acid change (threonine 472 retained).
Molecular consequence: synonymous variant.
Genome position (GRCh38, 1-based): chr11:66,707,753, C>T on the plus strand (G>A on the coding strand, the complement: SPTBN2 is on the minus strand). VCF-style: chr11-66707753-C-T. GRCh37 (hg19) VCF-style: chr11-66475224-C-T.
Identifiers: ClinVar variation 487360 (VCV000487360.49), dbSNP rs145249947, ClinGen allele CA6129376.